The following is an entry in ClinVar:

NM_005324.5(H3-3B):c.25C>T (p.Arg9Cys)

Gene: H3-3B (H3.3 histone B; minus strand). Cytogenetic location: 17q25.1.
Variant type: single nucleotide variant.
Coding change: c.25C>T on transcript NM_005324.5 (MANE Select); coding-DNA position 25, C replaced by T.
Protein change: p.Arg9Cys; replaces arginine 9 with cysteine.
Molecular consequence: missense variant.
Genome position (GRCh38, 1-based): chr17:75,779,150, G>A on the plus strand (C>T on the coding strand, the complement: H3-3B is on the minus strand). VCF-style: chr17-75779150-G-A. GRCh37 (hg19) VCF-style: chr17-73775231-G-A.
Other names: H3F3B, ARG9CYS; short protein forms R9C.
Identifiers: ClinVar variation 985559 (VCV000985559.9), dbSNP rs2061653458, ClinGen allele CA401118838.

ClinVar aggregate classification (germline): Conflicting classifications of pathogenicity. Review status: criteria provided, conflicting classifications (1 of 4 stars). 7 submissions from 7 submitters: Pathogenic (2); Likely pathogenic (2); Uncertain significance (1). 2 of the submissions do not count toward it. Last evaluated 2026-01-21.

Conditions:
Bryant-Li-Bhoj neurodevelopmental syndrome 2 (BRYLIB2). Also called: H3-3B syndrome. Identifiers: MedGen C5676906, MONDO:0030607, OMIM 619721. Disease mechanism: loss of function.
H3F3B-related disorders.
Global developmental delay (DD). Also called: Cognitive delay. Identifiers: MedGen C0557874, HP:0001263. Disease mechanism: loss of function.
Delayed speech and language development. Also called: Language delay. Identifiers: MedGen C0454644, HP:0000750.
Short stature. Identifiers: MedGen C0349588, HP:0004322.
Brain imaging abnormality. Identifiers: MedGen C2711610, HP:0410263.
Intellectual disability. Also called: Intellectual functioning disability; Intellectual developmental disorder; intellectual disabilities. Identifiers: MedGen C3714756, MeSH D008607, MONDO:0001071, HP:0001249.
Inborn genetic diseases. Identifiers: MedGen C0950123, MeSH D030342.

Submissions (7):

GeneDx
Classification: Pathogenic. Last evaluated: 2026-01-21. Review status: criteria provided, single submitter. Criteria: GeneDx Variant Classification Process June 2021. Collection method: clinical testing. Allele origin: germline.
Comment: Not observed at significant frequency in large population cohorts (gnomAD); In silico analysis supports that this missense variant has a deleterious effect on protein structure/function; This variant is associated with the following publications: (PMID: 33268356, 40638225, 34876591)

Labcorp Genetics (formerly Invitae), Labcorp
Classification: Pathogenic. Last evaluated: 2025-03-12. Review status: criteria provided, single submitter. Criteria: Invitae Variant Classification Sherloc (09022015). Collection method: clinical testing. Allele origin: germline.
Comment: This sequence change replaces arginine, which is basic and polar, with cysteine, which is neutral and slightly polar, at codon 9 of the H3-3B protein (p.Arg9Cys). This variant is not present in population databases (gnomAD no frequency). This missense change has been observed in individual(s) with H3-3B-related conditions (PMID: 33268356, 34876591). In at least one individual the variant was observed to be de novo. ClinVar contains an entry for this variant (Variation ID: 985559). An algorithm developed to predict the effect of missense changes on protein structure and function (PolyPhen-2) suggests that this variant is likely to be tolerated. For these reasons, this variant has been classified as Pathogenic.

Illumina Laboratory Services, Illumina
Classification: Likely pathogenic for Bryant-Li-Bhoj neurodevelopmental syndrome 2. Last evaluated: 2024-03-05. Review status: criteria provided, single submitter. Criteria: ICSLVariantClassificationCriteria RUGD 01 April 2020. Collection method: clinical testing. Allele origin: unknown.
Comment: The H3-3B c.25C>T p.(Arg9Cys) missense variant has been identified in a de novo state in at least two individuals with a phenotype consistent with Bryant-Li-Bhoj neurodevelopmental syndrome (PMID: 33268356; 34876591). This variant is located in the core histone H3.3 domain in a hot spot region (PMID: 34876591). This variant is not observed in version 2.1.1 or version 4.0.0 of the Genome Aggregation Database. Based on the available evidence, the c.25C>T p.(Arg9Cys) variant is classified as likely pathogenic for Bryant-Li-Bhoj neurodevelopmental syndrome.

Blueprint Genetics
Classification: Likely pathogenic for H3F3B-related disorders. Last evaluated: 2020-10-06. Review status: criteria provided, single submitter. Criteria: ACMG Guidelines, 2015. Collection method: clinical testing. Allele origin: de novo. Affected: yes. Observed: 1 variant allele.

Ambry Genetics
Classification: Uncertain significance for Inborn genetic diseases. Last evaluated: 2018-02-22. Review status: criteria provided, single submitter. Criteria: Ambry exome assertion method (8-5-2015). Collection method: clinical testing. Allele origin: germline. Affected: yes. Observed: 1 variant allele.

OMIM
Classification: Pathogenic for BRYANT-LI-BHOJ NEURODEVELOPMENTAL SYNDROME 2. Last evaluated: 2022-02-02. Review status: no assertion criteria provided. Collection method: literature only. Allele origin: germline. Not counted in ClinVar's aggregate classification.

Baylor Genetics
Classification: Likely pathogenic for Global developmental delay; Delayed speech and language development; Intellectual disability; Short stature; Brain imaging abnormality. Last evaluated: 2021-07-15. Review status: no assertion criteria provided. Collection method: research. Allele origin: de novo. Affected: yes. Observed: 1 variant allele. Not counted in ClinVar's aggregate classification.

Literature cited by the submitters: PubMed 33268356 (cited by 3 submitters); PubMed 34876591 (cited by 3 submitters); Bryant, L., Li, D., Cox, S. G., Marchione, D., Joiner, E. F., Wilson, K., Janssen, K., Lee, P., March, M. E., Nair, D., Sherr, E., Fregeau, B., and 119 others Histone H3.3 beyond cancer: germline mutations in histone 3 family 3A and 3B cause a previously unidentified neurodegenerative disorder in 46 patients. Sci. Adv. 6: eabc9207, 2020. (cited by OMIM).